The following is an entry in ClinVar:

ClinVar aggregate classification (germline): Pathogenic. Review status: criteria provided, multiple submitters, no conflicts (2 of 4 stars). 4 submissions from 4 submitters: Pathogenic (3). 1 of the submissions does not count toward it. Last evaluated 2024-01-23.

Conditions:
Gastric cancer. Also called: Stomach cancer; Malignant tumor of stomach. Identifiers: MedGen C0024623, MeSH D013274, MONDO:0001056, OMIM 613659, HP:0012126.
Familial cancer of breast. Also called: BREAST CANCER, FAMILIAL; Hereditary breast cancer; hereditary breast carcinoma. Identifiers: Orphanet 227535, MedGen C0346153, MONDO:0016419, OMIM 114480. Disease mechanism: loss of function.
Ataxia-telangiectasia syndrome (AT). Also called: LOUIS-BAR SYNDROME; Cerebello-oculocutaneous telangiectasia; Immunodeficiency with ataxia telangiectasia; Ataxia-telangiectasia, complementation group E; Ataxia-telangiectasia, complementation group D; AT, COMPLEMENTATION GROUP C. Identifiers: Orphanet 100, MedGen C0004135, MONDO:0008840, OMIM 208900.
Hereditary cancer-predisposing syndrome. Also called: Hereditary neoplastic syndrome; Neoplastic Syndromes, Hereditary; Hereditary Cancer Syndrome; Tumor predisposition. Identifiers: Orphanet 140162, MedGen C0027672, MeSH D009386, MONDO:0015356.

Submissions (4):

Myriad Genetics, Inc.
Classification: Pathogenic for Familial cancer of breast. Last evaluated: 2024-01-23. Review status: criteria provided, single submitter. Criteria: Myriad Autosomal Dominant, Autosomal Recessive and X-Linked Classification Criteria (2023). Collection method: clinical testing. Allele origin: unknown.
Comment: This variant is considered pathogenic. This variant creates a termination codon and is predicted to result in premature protein truncation.

Ambry Genetics
Classification: Pathogenic for Hereditary cancer-predisposing syndrome. Last evaluated: 2020-09-11. Review status: criteria provided, single submitter. Criteria: Ambry Variant Classification Scheme 2023. Collection method: clinical testing. Allele origin: germline.
Comment: The p.Q1331* pathogenic mutation (also known as c.3991C>T), located in coding exon 25 of the ATM gene, results from a C to T substitution at nucleotide position 3991. This changes the amino acid from a glutamine to a stop codon within coding exon 25. This alteration is expected to result in loss of function by premature protein truncation or nonsense-mediated mRNA decay. As such, this alteration is interpreted as a disease-causing mutation.

Labcorp Genetics (formerly Invitae), Labcorp
Classification: Pathogenic for Ataxia-telangiectasia syndrome. Last evaluated: 2019-07-24. Review status: criteria provided, single submitter. Criteria: Invitae Variant Classification Sherloc (09022015). Collection method: clinical testing. Allele origin: germline.
Comment: For these reasons, this variant has been classified as Pathogenic. Loss-of-function variants in ATM are known to be pathogenic (PMID: 23807571, 25614872). This variant has not been reported in the literature in individuals with ATM-related conditions. This variant is not present in population databases (ExAC no frequency). This sequence change creates a premature translational stop signal (p.Gln1331*) in the ATM gene. It is expected to result in an absent or disrupted protein product.

Laboratory for Genotyping Development, RIKEN
Classification: Pathogenic for Gastric cancer. Last evaluated: 2021-07-01. Review status: no assertion criteria provided. Collection method: research. Allele origin: germline. Not counted in ClinVar's aggregate classification.

Literature cited by the submitters: PubMed 23807571 (cited by Labcorp Genetics (formerly Invitae), Labcorp); PubMed 25614872 (cited by Labcorp Genetics (formerly Invitae), Labcorp); PubMed 36988593 (cited by Laboratory for Genotyping Development, RIKEN).

NM_000051.4(ATM):c.3991C>T (p.Gln1331Ter)

Gene: ATM (ATM serine/threonine kinase; plus strand). Cytogenetic location: 11q22.3.
Variant type: single nucleotide variant.
Coding change: c.3991C>T on transcript NM_000051.4 (MANE Select); coding-DNA position 3991, C replaced by T.
Protein change: p.Gln1331Ter; replaces glutamine 1331 with a stop codon.
Molecular consequence: nonsense.
Genome position (GRCh38, 1-based): chr11:108,284,471, C>T. VCF-style: chr11-108284471-C-T. GRCh37 (hg19) VCF-style: chr11-108155198-C-T.
Other names: c.3991C>T, p.Gln1331Ter (NM_001351834.2); short protein forms Q1331*.
Identifiers: ClinVar variation 956147 (VCV000956147.26), dbSNP rs2082389962, ClinGen allele CA382526283.